The following is an entry in ClinVar:

NM_014795.4(ZEB2):c.3211T>C (p.Ser1071Pro)

Gene: ZEB2 (zinc finger E-box binding homeobox 2; minus strand). Cytogenetic location: 2q22.3.
Variant type: single nucleotide variant.
Coding change: c.3211T>C on transcript NM_014795.4 (MANE Select); coding-DNA position 3211, T replaced by C.
Protein change: p.Ser1071Pro; replaces serine 1071 with proline.
Molecular consequence: missense variant.
Genome position (GRCh38, 1-based): chr2:144,389,885, A>G on the plus strand (T>C on the coding strand, the complement: ZEB2 is on the minus strand). VCF-style: chr2-144389885-A-G. GRCh37 (hg19) VCF-style: chr2-145147452-A-G.
Other names: c.3139T>C, p.Ser1047Pro (NM_001171653.2); short protein forms S1071P, S1047P.
Identifiers: ClinVar variation 56826 (VCV000056826.3), dbSNP rs397515448, ClinGen allele CA284669.
Genomic context (GRCh38, chr2:144,389,885, plus strand): 5'-CCGCTTCCCGCTCCTCCGCCTCCCGCTTGCAGTAGGAATACCTGTGATTCATGTGCTGCG[A>G]GTACGAGCCCGAGTGTGAGAAGCGCTTGCCACATTTATCACACTGATAGGGCTTCTCGCC-3'
Protein context (NP_055610.1, residues 1061-1081): GKRFSHSGSY[Ser1071Pro]QHMNHRYSYC

ClinVar aggregate classification (germline): Likely pathogenic. Review status: criteria provided, single submitter (1 of 4 stars). 2 submissions from 2 submitters: Likely pathogenic (1). 1 of the submissions does not count toward it. Last evaluated 2021-05-18.

Conditions:
Inborn genetic diseases. Identifiers: MedGen C0950123, MeSH D030342.
Mowat-Wilson syndrome (MOWS). Also called: Classic Mowat-Wilson Syndrome. Identifiers: Orphanet 2152, MedGen C1856113, MONDO:0009341, OMIM 235730.

Submissions (2):

Ambry Genetics
Classification: Likely pathogenic for Inborn genetic diseases. Last evaluated: 2021-05-18. Review status: criteria provided, single submitter. Criteria: Ambry Variant Classification Scheme 2023. Collection method: clinical testing. Allele origin: germline.
Comment: The c.3211T>C (p.S1071P) alteration is located in exon 10 (coding exon 9) of the ZEB2 gene. This alteration results from a T to C substitution at nucleotide position 3211, causing the serine (S) at amino acid position 1071 to be replaced by a proline (P). Based on data from the Genome Aggregation Database (gnomAD), the ZEB2 c.3211T>C alteration was not observed, with coverage at this position. Another patient with this alteration was reported to have mild intellectual disability, epilepsy, language delay, a happy demeanor, constipation and mild dysmorphic features (Wenger, 2014). This amino acid position is highly conserved in available vertebrate species. The p.S1071P amino acid is located within the highly conserved C-zinc-finger (C-ZF) domain of ZEB2 (Ghoumid, 2013). The ZF domains function to bind target-promoter DNA needed for transactivation of the protein. In vitro functional analysis on the E-cadherin promoter showed that the integrity of ZEB2 C-ZF is necessary for proper DNA-binding and transactivation activities of the protein (Ghoumid, 2013). The zebrafish in vivo model was used to show that human ZEB2 mRNAs carrying the p.S1071P alteration could variably rescue sip1b morphant embryos and suggested that ZEB2 function was not restricted to repression of the E-cadherin (Ghoumid, 2013). The in silico prediction for the p.S1071P alteration is inconclusive. Based on the available evidence, this alteration is classified as likely pathogenic.

OMIM
Classification: Pathogenic for MOWAT-WILSON SYNDROME. Last evaluated: 2013-07-01. Review status: no assertion criteria provided. Collection method: literature only. Allele origin: germline. Not counted in ClinVar's aggregate classification.

Literature cited by the submitters: PubMed 23466526 (cited by Ambry Genetics and OMIM); PubMed 25123255 (cited by Ambry Genetics); PubMed 26661037 (cited by Ambry Genetics).